The following is an entry in ClinVar:

NM_000065.5(C6):c.2785C>T (p.Pro929Ser)

Gene: C6 (complement C6; minus strand). Cytogenetic location: 5p13.1.
Variant type: single nucleotide variant.
Coding change: c.2785C>T on transcript NM_000065.5 (MANE Select); coding-DNA position 2785, C replaced by T.
Protein change: p.Pro929Ser; replaces proline 929 with serine.
Molecular consequence: missense variant.
Genome position (GRCh38, 1-based): chr5:41,142,845, G>A on the plus strand (C>T on the coding strand, the complement: C6 is on the minus strand). VCF-style: chr5-41142845-G-A. GRCh37 (hg19) VCF-style: chr5-41142947-G-A.
Other names: c.2785C>T, p.Pro929Ser (NM_001115131.4); short protein forms P929S.
Identifiers: ClinVar variation 1416660 (VCV001416660.8), dbSNP rs2150210012, ClinGen allele CA359591849.
Genomic context (GRCh38, chr5:41,142,845, plus strand): 5'-GGTAAATCTGTTCATTGTGCTGGGCCTAGCAGTAATTGTGCTAGGCCAAACACTTTCCAG[G>A]ATGCAGTATTTCCATCTTCCTGTTTGCACATCTTATAGTTCCCACTTCACAGATGTTCAA-3'
Protein context (NP_000056.2, residues 919-934): CANRKMEILH[Pro929Ser]GKCLA

ClinVar aggregate classification (germline): Uncertain significance (1 of 4 stars; one submission).

Submission:

Labcorp Genetics (formerly Invitae), Labcorp
Classification: Uncertain significance. Last evaluated: 2025-03-31. Review status: criteria provided, single submitter. Criteria: Invitae Variant Classification Sherloc (09022015). Collection method: clinical testing. Allele origin: germline.
Comment: This sequence change replaces proline, which is neutral and non-polar, with serine, which is neutral and polar, at codon 929 of the C6 protein (p.Pro929Ser). This variant is not present in population databases (gnomAD no frequency). This variant has not been reported in the literature in individuals affected with C6-related conditions. ClinVar contains an entry for this variant (Variation ID: 1416660). An algorithm developed to predict the effect of missense changes on protein structure and function outputs the following: PolyPhen-2: "Benign". The serine amino acid residue is found in multiple mammalian species, which suggests that this missense change does not adversely affect protein function. In summary, the available evidence is currently insufficient to determine the role of this variant in disease. Therefore, it has been classified as a Variant of Uncertain Significance.